The following is an entry in ClinVar:

ClinVar aggregate classification (germline): Uncertain significance (1 of 4 stars; one submission).

Conditions:
Early-infantile DEE. Also called: Ohtahara syndrome; Early infantile epileptic encephalopathy with suppression bursts; Early infantile epileptic encephalopathy. Identifiers: Orphanet 1934, MedGen C0393706, MONDO:0800491.

Allele frequency attached by ClinVar (database versions not stated): TOPMed 0.00002.
gnomAD v4.1: 16 of 1,608,484 alleles (0.00099%); highest among the groups gnomAD compares: East Asian, 0.0022%; no homozygotes.

Submission:

Labcorp Genetics (formerly Invitae), Labcorp
Classification: Uncertain significance for Early-infantile DEE. Last evaluated: 2025-10-10. Review status: criteria provided, single submitter. Criteria: Invitae Variant Classification Sherloc (09022015). Collection method: clinical testing. Allele origin: germline.
Comment: This sequence change falls in intron 7 of the ARHGEF15 gene. It does not directly change the encoded amino acid sequence of the ARHGEF15 protein. This variant is present in population databases (rs769854480, gnomAD 0.02%). This variant has not been reported in the literature in individuals affected with ARHGEF15-related conditions. ClinVar contains an entry for this variant (Variation ID: 970974). Algorithms developed to predict the effect of sequence changes on RNA splicing suggest that this variant may disrupt the consensus splice site. In summary, the available evidence is currently insufficient to determine the role of this variant in disease. Therefore, it has been classified as a Variant of Uncertain Significance.

NM_173728.4(ARHGEF15):c.1422-10A>G

Gene: ARHGEF15 (Rho guanine nucleotide exchange factor 15; plus strand). Cytogenetic location: 17p13.1.
Variant type: single nucleotide variant.
Coding change: c.1422-10A>G on transcript NM_173728.4 (MANE Select); 10 bases into the intron before coding-DNA position 1422, A replaced by G.
Molecular consequence: intron variant.
Genome position (GRCh38, 1-based): chr17:8,315,745, A>G. VCF-style: chr17-8315745-A-G. GRCh37 (hg19) VCF-style: chr17-8219063-A-G.
Other names: c.1422-10A>G (NM_025014.2).
Identifiers: ClinVar variation 970974 (VCV000970974.8), dbSNP rs769854480, ClinGen allele CA8375181.